The following is an entry in ClinVar:

NM_006904.7(PRKDC):c.7979C>T (p.Thr2660Ile)

Gene: PRKDC (protein kinase, DNA-activated, catalytic subunit; minus strand). Cytogenetic location: 8q11.21.
Variant type: single nucleotide variant.
Coding change: c.7979C>T on transcript NM_006904.7 (MANE Select); coding-DNA position 7979, C replaced by T.
Protein change: p.Thr2660Ile; replaces threonine 2660 with isoleucine.
Molecular consequence: missense variant.
Genome position (GRCh38, 1-based): chr8:47,834,369, G>A on the plus strand (C>T on the coding strand, the complement: PRKDC is on the minus strand). VCF-style: chr8-47834369-G-A. GRCh37 (hg19) VCF-style: chr8-48746930-G-A.
Other names: c.7979C>T, p.Thr2660Ile (NM_001081640.2); short protein forms T2660I.
Identifiers: ClinVar variation 1761442 (VCV001761442.2), dbSNP rs1377591407, ClinGen allele CA371149927.

ClinVar aggregate classification (germline): Uncertain significance (1 of 4 stars; one submission).

Allele frequency attached by ClinVar (database versions not stated): gnomAD 0.00001.
gnomAD v4.1: 1 of 1,613,642 alleles (0.000062%); highest among the groups gnomAD compares: African/African-American, 0.0013%; no homozygotes.

Submission:

Ambry Genetics
Classification: Uncertain significance. Last evaluated: 2021-11-04. Review status: criteria provided, single submitter. Criteria: Ambry Variant Classification Scheme 2023. Collection method: clinical testing. Allele origin: germline.
Comment: The p.T2660I variant (also known as c.7979C>T), located in coding exon 59 of the PRKDC gene, results from a C to T substitution at nucleotide position 7979. The threonine at codon 2660 is replaced by isoleucine, an amino acid with similar properties. This amino acid position is conserved. Since supporting evidence is limited at this time, the clinical significance of this alteration remains unclear.